The following is an entry in ClinVar:

ClinVar aggregate classification (germline): Uncertain significance (1 of 4 stars; one submission).

Submission:

Labcorp Genetics (formerly Invitae), Labcorp
Classification: Uncertain significance. Last evaluated: 2024-02-17. Review status: criteria provided, single submitter. Criteria: Invitae Variant Classification Sherloc (09022015). Collection method: clinical testing. Allele origin: germline.
Comment: This sequence change replaces cysteine, which is neutral and slightly polar, with isoleucine, which is neutral and non-polar, at codon 1072 of the ELP1 protein (p.Cys1072Ile). Information on the frequency of this variant in the gnomAD database is not available, as this variant may be reported differently in the database. This variant has not been reported in the literature in individuals affected with ELP1-related conditions. ClinVar contains an entry for this variant (Variation ID: 1415538). An algorithm developed to predict the effect of missense changes on protein structure and function (PolyPhen-2) suggests that this variant is likely to be tolerated. In summary, the available evidence is currently insufficient to determine the role of this variant in disease. Therefore, it has been classified as a Variant of Uncertain Significance.

NM_003640.5(ELP1):c.3214_3215delinsAT (p.Cys1072Ile)

Gene: ELP1 (elongator acetyltransferase complex subunit 1; minus strand). Cytogenetic location: 9q31.3.
Variant type: Indel.
Coding change: c.3214_3215delinsAT on transcript NM_003640.5 (MANE Select); coding-DNA positions 3214 to 3215, TG replaced by AT.
Protein change: p.Cys1072Ile; replaces cysteine 1072 with isoleucine.
Molecular consequence: missense variant.
Genome position (GRCh38, 1-based): chr9:108,889,339-108,889,340, CA replaced by AT on the plus strand (TG replaced by AT on the coding strand, the reverse complement: ELP1 is on the minus strand). VCF-style: chr9-108889339-CA-AT. GRCh37 (hg19) VCF-style: chr9-111651619-CA-AT.
Other names: c.2872_2873delinsAT, p.Cys958Ile (NM_001318360.2); c.2167_2168delinsAT, p.Cys723Ile (NM_001330749.2); short protein forms C958I, C1072I, C723I.
Identifiers: ClinVar variation 1415538 (VCV001415538.5), dbSNP rs2131966122, ClinGen allele CA2573143754.